The following is an entry in ClinVar:

ClinVar aggregate classification (germline): Uncertain significance (1 of 4 stars; one submission).

Submission:

Clinical Genomics Laboratory, Laboratory for Precision Diagnostics, University of Washington
Classification: Uncertain significance. Last evaluated: 2021-05-06. Review status: criteria provided, single submitter. Criteria: ACMG/ClinGen CNV Guidelines, 2019. Collection method: clinical testing. Allele origin: unknown. Affected: yes. Observed: 1 variant allele.

GRCh38/hg38 Xq28(chrX:149719022-150219325)x2

Genes: EOLA2 (endothelium and lymphocyte associated ASCH domain 2; minus strand), EOLA2-DT (EOLA2 divergent transcript; plus strand), HSFX1 (heat shock transcription factor family, X-linked 1; plus strand), HSFX4 (heat shock transcription factor family, X-linked member 4; plus strand), LINC00850 (long intergenic non-protein coding RNA 850; plus strand) and 11 more. Cytogenetic location: Xq28.
Variant type: copy number gain.
Change: copy number 2 of chrX:149,719,022-150,219,325 (500.3 kb, GRCh38 coordinates, 1-based), cytogenetic band Xq28.
Identifiers: ClinVar variation 4755341 (VCV004755341.1).